The following is an entry in ClinVar:

ClinVar aggregate classification (germline): Uncertain significance (1 of 4 stars; one submission).

Submission:

GeneDx
Classification: Uncertain significance. Last evaluated: 2025-02-19. Review status: criteria provided, single submitter. Criteria: GeneDx Variant Classification Process June 2021. Collection method: clinical testing. Allele origin: germline. Affected: yes.
Comment: Not observed at significant frequency in large population cohorts (gnomAD); In silico analysis supports that this missense variant has a deleterious effect on protein structure/function; Has not been previously published as pathogenic or benign to our knowledge

NM_000256.3(MYBPC3):c.1181T>A (p.Val394Asp)

Gene: MYBPC3 (myosin binding protein C3; minus strand). Cytogenetic location: 11p11.2.
Variant type: single nucleotide variant.
Coding change: c.1181T>A on transcript NM_000256.3 (MANE Select); coding-DNA position 1181, T replaced by A.
Protein change: p.Val394Asp; replaces valine 394 with aspartic acid.
Molecular consequence: missense variant.
Genome position (GRCh38, 1-based): chr11:47,343,534, A>T on the plus strand (T>A on the coding strand, the complement: MYBPC3 is on the minus strand). VCF-style: chr11-47343534-A-T. GRCh37 (hg19) VCF-style: chr11-47365085-A-T.
Other names: short protein forms V394D.
Identifiers: ClinVar variation 4077228 (VCV004077228.1).